The following is an entry in ClinVar:

ClinVar aggregate classification (germline): Likely benign. Review status: criteria provided, multiple submitters, no conflicts (2 of 4 stars). 2 submissions from 2 submitters: Likely benign (2). Last evaluated 2026-07-01.

Allele frequency attached by ClinVar (database versions not stated): gnomAD exomes below 0.00001; gnomAD 0.00001; TOPMed 0.00001.
gnomAD v4.1: 3 of 1,614,036 alleles (0.00019%); highest among the groups gnomAD compares: Admixed American, 0.005%; no homozygotes.

Submissions (2):

CeGaT Center for Human Genetics Tuebingen
Classification: Likely benign. Last evaluated: 2026-07-01. Review status: criteria provided, single submitter. Criteria: CeGaT Center For Human Genetics Tuebingen Variant Classification Criteria Version 2. Collection method: clinical testing. Allele origin: germline. Affected: yes. Observed: 1 variant allele.
Comment: LONP1: BP4, BP7

Labcorp Genetics (formerly Invitae), Labcorp
Classification: Likely benign. Last evaluated: 2025-10-21. Review status: criteria provided, single submitter. Criteria: Invitae Variant Classification Sherloc (09022015). Collection method: clinical testing. Allele origin: germline.

NM_004793.4(LONP1):c.2499C>T (p.Asp833=)

Gene: LONP1 (lon peptidase 1, mitochondrial; minus strand). Cytogenetic location: 19p13.3.
Variant type: single nucleotide variant.
Coding change: c.2499C>T on transcript NM_004793.4 (MANE Select); coding-DNA position 2499, C replaced by T.
Protein change: p.Asp833=; no amino-acid change (aspartic acid 833 retained).
Molecular consequence: synonymous variant. On other transcripts: non-coding transcript variant (1).
Genome position (GRCh38, 1-based): chr19:5,693,591, G>A on the plus strand (C>T on the coding strand, the complement: LONP1 is on the minus strand). VCF-style: chr19-5693591-G-A. GRCh37 (hg19) VCF-style: chr19-5693602-G-A.
Other names: c.2307C>T, p.Asp769= (NM_001276479.2); c.1911C>T, p.Asp637= (NM_001276480.1).
Identifiers: ClinVar variation 3020909 (VCV003020909.5), dbSNP rs1230948821, ClinGen allele CA505180197.